The following is an entry in ClinVar:

NM_001128148.3(TFRC):c.359G>A (p.Arg120His)

Gene: TFRC (transferrin receptor; minus strand). Cytogenetic location: 3q29.
Variant type: single nucleotide variant.
Coding change: c.359G>A on transcript NM_001128148.3 (MANE Select); coding-DNA position 359, G replaced by A.
Protein change: p.Arg120His; replaces arginine 120 with histidine.
Molecular consequence: missense variant. On other transcripts: intron variant (1).
Genome position (GRCh38, 1-based): chr3:196,074,005, C>T on the plus strand (G>A on the coding strand, the complement: TFRC is on the minus strand). VCF-style: chr3-196074005-C-T. GRCh37 (hg19) VCF-style: chr3-195800876-C-T.
Other names: c.116G>A, p.Arg39His (NM_001313965.2); c.359G>A, p.Arg120His (NM_003234.4); c.-412-1853G>A (NM_001313966.2); short protein forms R120H, R39H.
Identifiers: ClinVar variation 2427898 (VCV002427898.6), dbSNP rs747082551, ClinGen allele CA2778327.

ClinVar aggregate classification (germline): Uncertain significance (1 of 4 stars; one submission).

Allele frequency attached by ClinVar (database versions not stated): ExAC 0.00002.
gnomAD v4.1: 6 of 1,614,072 alleles (0.00037%); highest among the groups gnomAD compares: East Asian, 0.0089%; no homozygotes.

Submission:

Labcorp Genetics (formerly Invitae), Labcorp
Classification: Uncertain significance. Last evaluated: 2023-03-12. Review status: criteria provided, single submitter. Criteria: Invitae Variant Classification Sherloc (09022015). Collection method: clinical testing. Allele origin: germline.
Comment: This sequence change replaces arginine, which is basic and polar, with histidine, which is basic and polar, at codon 120 of the TFRC protein (p.Arg120His). In summary, the available evidence is currently insufficient to determine the role of this variant in disease. Therefore, it has been classified as a Variant of Uncertain Significance. Advanced modeling of protein sequence and biophysical properties (such as structural, functional, and spatial information, amino acid conservation, physicochemical variation, residue mobility, and thermodynamic stability) performed at Invitae indicates that this missense variant is not expected to disrupt TFRC protein function. ClinVar contains an entry for this variant (Variation ID: 2427898). This variant has not been reported in the literature in individuals affected with TFRC-related conditions. This variant is present in population databases (rs747082551, gnomAD 0.01%).